The following is an entry in ClinVar:

NM_005235.3(ERBB4):c.2699A>G (p.Gln900Arg)

Gene: ERBB4 (erb-b2 receptor tyrosine kinase 4; minus strand). Cytogenetic location: 2q34.
Variant type: single nucleotide variant.
Coding change: c.2699A>G on transcript NM_005235.3 (MANE Select); coding-DNA position 2699, A replaced by G.
Protein change: p.Gln900Arg; replaces glutamine 900 with arginine.
Molecular consequence: missense variant.
Genome position (GRCh38, 1-based): chr2:211,428,428, T>C on the plus strand (A>G on the coding strand, the complement: ERBB4 is on the minus strand). VCF-style: chr2-211428428-T-C. GRCh37 (hg19) VCF-style: chr2-212293153-T-C.
Other names: c.2699A>G, p.Gln900Arg (NM_001042599.2); short protein forms Q900R.
Identifiers: ClinVar variation 1491226 (VCV001491226.8), dbSNP rs757382678, ClinGen allele CA2087660.

ClinVar aggregate classification (germline): Uncertain significance (1 of 4 stars; one submission).

Allele frequency attached by ClinVar (database versions not stated): gnomAD exomes below 0.00001 and 0.00001; ExAC 0.00001.
gnomAD v4.1: 1 of 1,592,026 alleles (0.000063%); highest among the groups gnomAD compares: Admixed American, 0.0017%; no homozygotes.

Submission:

Labcorp Genetics (formerly Invitae), Labcorp
Classification: Uncertain significance. Last evaluated: 2021-04-06. Review status: criteria provided, single submitter. Criteria: Invitae Variant Classification Sherloc (09022015). Collection method: clinical testing. Allele origin: germline.
Comment: In summary, the available evidence is currently insufficient to determine the role of this variant in disease. Therefore, it has been classified as a Variant of Uncertain Significance. Algorithms developed to predict the effect of missense changes on protein structure and function are either unavailable or do not agree on the potential impact of this missense change (SIFT: "Deleterious"; PolyPhen-2: "Probably Damaging"; Align-GVGD: "Class C0"). This variant has not been reported in the literature in individuals with ERBB4-related conditions. This variant is present in population databases (rs757382678, ExAC 0.009%). This sequence change replaces glutamine with arginine at codon 900 of the ERBB4 protein (p.Gln900Arg). The glutamine residue is highly conserved and there is a small physicochemical difference between glutamine and arginine.